The following is an entry in ClinVar:

ClinVar aggregate classification (germline): Uncertain significance (1 of 4 stars; one submission).

Submission:

Labcorp Genetics (formerly Invitae), Labcorp
Classification: Uncertain significance. Last evaluated: 2021-05-06. Review status: criteria provided, single submitter. Criteria: Invitae Variant Classification Sherloc (09022015). Collection method: clinical testing. Allele origin: germline.
Comment: In summary, the available evidence is currently insufficient to determine the role of this variant in disease. Therefore, it has been classified as a Variant of Uncertain Significance. Experimental studies and prediction algorithms are not available or were not evaluated, and the functional significance of this variant is currently unknown. This variant has not been reported in the literature in individuals with CFD-related conditions. The frequency data for this variant in the population databases is considered unreliable, as metrics indicate insufficient coverage at this position in the ExAC database. This variant, c.655_666del, results in the deletion of 4 amino acid(s) of the CFD protein (p.Glu219_Val222del), but otherwise preserves the integrity of the reading frame.

NM_001928.4(CFD):c.655_666del (p.Glu219_Val222del)

Gene: CFD (complement factor D; plus strand). Cytogenetic location: 19p13.3.
Variant type: Deletion.
Coding change: c.655_666del on transcript NM_001928.4 (MANE Select); coding-DNA positions 655 to 666, 12 bases deleted (GAGGGCGTGGTC).
Protein change: p.Glu219_Val222del.
Molecular consequence: inframe deletion.
Genome position (GRCh38, 1-based): chr19:863,131-863,142, GAGGGCGTGGTC deleted; deleting any 12 consecutive bases within chr19:863,129-863,142 gives the same sequence; the c. name uses the placement nearest the transcript's 3' end. VCF-style (leftmost placement, unchanged base first): chr19-863128-CTCGAGGGCGTGG-C. GRCh37 (hg19) VCF-style: chr19-863128-CTCGAGGGCGTGG-C.
Other names: c.676_687del, p.Glu226_Val229del (NM_001317335.2).
Identifiers: ClinVar variation 1516297 (VCV001516297.8), dbSNP rs1177191725, ClinGen allele CA631295867.
Genomic context (GRCh38, chr19:863,128, plus strand): 5'-CACGGCCCCGTCCTGTTCCGGCAGGGTGACTCCGGGGGCCCGCTGGTGTGCGGGGGCGTG[CTCGAGGGCGTGG>C]TCACCTCGGGCTCGCGCGTTTGCGGCAACCGCAAGAAGCCCGGGATCTACACCCGCGTGG-3'